The following is an entry in ClinVar:

ClinVar aggregate classification (germline): Likely benign (0 of 4 stars; one submission).

Conditions:
GRWD1-related disorder. Also called: GRWD1-related condition.

Allele frequency attached by ClinVar (database versions not stated): TOPMed below 0.00001; ExAC 0.00003.
gnomAD v4.1: 16 of 1,594,204 alleles (0.001%); highest among the groups gnomAD compares: Non-Finnish European, 0.0012%; no homozygotes.

Submission:

PreventionGenetics, part of Exact Sciences
Classification: Likely benign for GRWD1-related condition. Last evaluated: 2019-06-27. Review status: no assertion criteria provided. Collection method: clinical testing. Allele origin: germline.
Comment: This variant is classified as likely benign based on ACMG/AMP sequence variant interpretation guidelines (Richards et al. 2015 PMID: 25741868, with internal and published modifications).

NM_031485.4(GRWD1):c.100C>T (p.Leu34=)

Gene: GRWD1 (glutamate rich WD repeat containing 1; plus strand). Cytogenetic location: 19q13.33.
Variant type: single nucleotide variant.
Coding change: c.100C>T on transcript NM_031485.4 (MANE Select); coding-DNA position 100, C replaced by T.
Protein change: p.Leu34=; no amino-acid change (leucine 34 retained).
Molecular consequence: synonymous variant.
Genome position (GRCh38, 1-based): chr19:48,446,105, C>T. VCF-style: chr19-48446105-C-T. GRCh37 (hg19) VCF-style: chr19-48949362-C-T.
Identifiers: ClinVar variation 3042520 (VCV003042520.2), dbSNP rs200635717, ClinGen allele CA9550920.